The following is an entry in ClinVar:

ClinVar aggregate classification (germline): Uncertain significance (1 of 4 stars; one submission).

Conditions:
Hereditary cancer-predisposing syndrome. Also called: Hereditary neoplastic syndrome; Neoplastic Syndromes, Hereditary; Tumor predisposition; Hereditary Cancer Syndrome. Identifiers: Orphanet 140162, MedGen C0027672, MeSH D009386, MONDO:0015356.

Submission:

Ambry Genetics
Classification: Uncertain significance for Hereditary cancer-predisposing syndrome. Last evaluated: 2025-06-19. Review status: criteria provided, single submitter. Criteria: Ambry Variant Classification Scheme 2023. Collection method: clinical testing. Allele origin: germline.
Comment: The p.L317I variant (also known as c.949C>A), located in coding exon 7 of the PTCH1 gene, results from a C to A substitution at nucleotide position 949. The leucine at codon 317 is replaced by isoleucine, an amino acid with highly similar properties. This amino acid position is conserved. In addition, this alteration is predicted to be tolerated by in silico analysis. Based on the available evidence, the clinical significance of this variant remains unclear.

NM_000264.5(PTCH1):c.949C>A (p.Leu317Ile)

Gene: PTCH1 (patched 1; minus strand). Cytogenetic location: 9q22.32.
Variant type: single nucleotide variant.
Coding change: c.949C>A on transcript NM_000264.5 (MANE Select); coding-DNA position 949, C replaced by A.
Protein change: p.Leu317Ile; replaces leucine 317 with isoleucine.
Molecular consequence: missense variant. On other transcripts: non-coding transcript variant (1).
Genome position (GRCh38, 1-based): chr9:95,480,087, G>T on the plus strand (C>A on the coding strand, the complement: PTCH1 is on the minus strand). VCF-style: chr9-95480087-G-T. GRCh37 (hg19) VCF-style: chr9-98242369-G-T.
Other names: c.496C>A, p.Leu166Ile (NM_001083606.3, NM_001083607.3, NM_001083604.3 and 1 more transcripts); c.949C>A, p.Leu317Ile (NM_001354918.2); c.751C>A, p.Leu251Ile (NM_001083602.3); c.946C>A, p.Leu316Ile (NM_001083603.3); short protein forms L317I, L251I, L166I, L316I.
Identifiers: ClinVar variation 4146842 (VCV004146842.1).
Genomic context (GRCh38, chr9:95,480,087, plus strand): 5'-AGTGCATATACTTTCTGGATAAGCCATGACATCCACCATTCAAAACAAGGGCCATATCAA[G>T]AGGCTAAAATAAAAAGACAGCCACATAATTATGGGAATTAGTAGGCAGGTCACATGCCTT-3'
Protein context (NP_000255.2, residues 307-327): TAPNKNSTKP[Leu317Ile]DMALVLNGGC